The following is an entry in ClinVar:

ClinVar aggregate classification (germline): Uncertain significance (1 of 4 stars; one submission).

Conditions:
Inborn genetic diseases. Identifiers: MedGen C0950123, MeSH D030342.

gnomAD v4.1: 1 of 1,613,754 alleles (0.000062%); highest among the groups gnomAD compares: South Asian, 0.0011%; no homozygotes.

Submission:

Ambry Genetics
Classification: Uncertain significance for Inborn genetic diseases. Last evaluated: 2024-03-21. Review status: criteria provided, single submitter. Criteria: Ambry Variant Classification Scheme 2023. Collection method: clinical testing. Allele origin: germline.
Comment: The p.P391A variant (also known as c.1171C>G), located in coding exon 10 of the ACD gene, results from a C to G substitution at nucleotide position 1171. The proline at codon 391 is replaced by alanine, an amino acid with highly similar properties. This amino acid position is conserved. In addition, this alteration is predicted to be tolerated by in silico analysis. Based on the available evidence, the clinical significance of this alteration remains unclear.

NM_001082486.2(ACD):c.913C>G (p.Pro305Ala)

Gene: ACD (ACD shelterin complex subunit and telomerase recruitment factor; minus strand). Cytogenetic location: 16q22.1.
Variant type: single nucleotide variant.
Coding change: c.913C>G on transcript NM_001082486.2 (MANE Select); coding-DNA position 913, C replaced by G.
Protein change: p.Pro305Ala; replaces proline 305 with alanine.
Molecular consequence: missense variant.
Genome position (GRCh38, 1-based): chr16:67,658,279, G>C on the plus strand (C>G on the coding strand, the complement: ACD is on the minus strand). VCF-style: chr16-67658279-G-C. GRCh37 (hg19) VCF-style: chr16-67692182-G-C.
Other names: c.826C>G, p.Pro276Ala (NM_001410884.1); c.904C>G, p.Pro302Ala (NM_022914.3); short protein forms P302A, P305A, P276A.
Identifiers: ClinVar variation 3261511 (VCV003261511.1).